The following is an entry in ClinVar:

ClinVar aggregate classification (germline): Uncertain significance (1 of 4 stars; one submission).

Submission:

Labcorp Genetics (formerly Invitae), Labcorp
Classification: Uncertain significance. Last evaluated: 2020-01-21. Review status: criteria provided, single submitter. Criteria: Invitae Variant Classification Sherloc (09022015). Collection method: clinical testing. Allele origin: germline.
Comment: This variant is not present in population databases (ExAC no frequency). In summary, the available evidence is currently insufficient to determine the role of this variant in disease. Therefore, it has been classified as a Variant of Uncertain Significance. Algorithms developed to predict the effect of missense changes on protein structure and function are either unavailable or do not agree on the potential impact of this missense change (SIFT: "Not Avialable"; PolyPhen-2: "Benign"; Align-GVGD: "Not Available"). This variant has not been reported in the literature in individuals with NTHL1-related conditions. This sequence change replaces glycine with alanine at codon 311 of the NTHL1 protein (p.Gly311Ala). The glycine residue is weakly conserved and there is a small physicochemical difference between glycine and alanine.

NM_002528.7(NTHL1):c.908G>C (p.Gly303Ala)

Gene: NTHL1 (nth like DNA glycosylase 1; minus strand). Cytogenetic location: 16p13.3.
Variant type: single nucleotide variant.
Coding change: c.908G>C on transcript NM_002528.7 (MANE Select); coding-DNA position 908, G replaced by C.
Protein change: p.Gly303Ala; replaces glycine 303 with alanine.
Molecular consequence: missense variant.
Genome position (GRCh38, 1-based): chr16:2,039,931, C>G on the plus strand (G>C on the coding strand, the complement: NTHL1 is on the minus strand). VCF-style: chr16-2039931-C-G. GRCh37 (hg19) VCF-style: chr16-2089932-C-G.
Other names: c.737G>C, p.Gly246Ala (NM_001318193.2); c.578G>C, p.Gly193Ala (NM_001318194.2); short protein forms G193A, G246A, G303A.
Identifiers: ClinVar variation 1020014 (VCV001020014.7), dbSNP rs2084235801, ClinGen allele CA394286947.